The following is an entry in ClinVar:

ClinVar aggregate classification (germline): Uncertain significance (1 of 4 stars; one submission).

Conditions:
Nemaline myopathy 2 (NEM2). Also called: Nemaline myopathy 2, autosomal recessive. Identifiers: MedGen C1850569, MONDO:0009725, OMIM 256030.

Allele frequency attached by ClinVar (database versions not stated): gnomAD 0.00001; gnomAD exomes 0.00001 and 0.00002; TOPMed 0.00001; ExAC 0.00003.
gnomAD v4.1: 7 of 1,611,756 alleles (0.00043%); highest among the groups gnomAD compares: Admixed American, 0.0083%; no homozygotes.

Submission:

Labcorp Genetics (formerly Invitae), Labcorp
Classification: Uncertain significance for Nemaline myopathy 2. Last evaluated: 2021-09-24. Review status: criteria provided, single submitter. Criteria: Invitae Variant Classification Sherloc (09022015). Collection method: clinical testing. Allele origin: germline.
Comment: This sequence change affects codon 1258 of the NEB mRNA. It is a 'silent' change, meaning that it does not change the encoded amino acid sequence of the NEB protein. This variant is present in population databases (rs761903657, ExAC 0.02%). This variant has not been reported in the literature in individuals with NEB-related conditions. Algorithms developed to predict the effect of sequence changes on RNA splicing suggest that this variant is not likely to affect RNA splicing, but this prediction has not been confirmed by published transcriptional studies. In summary, the available evidence is currently insufficient to determine the role of this variant in disease. Therefore, it has been classified as a Variant of Uncertain Significance.

NM_001164508.2(NEB):c.3774T>C (p.Asp1258=)

Gene: NEB (nebulin; minus strand). Cytogenetic location: 2q23.3.
Variant type: single nucleotide variant.
Coding change: c.3774T>C on transcript NM_001164508.2 (MANE Select); coding-DNA position 3774, T replaced by C.
Protein change: p.Asp1258=; no amino-acid change (aspartic acid 1258 retained).
Molecular consequence: synonymous variant.
Genome position (GRCh38, 1-based): chr2:151,677,565, A>G on the plus strand (T>C on the coding strand, the complement: NEB is on the minus strand). VCF-style: chr2-151677565-A-G. GRCh37 (hg19) VCF-style: chr2-152534079-A-G.
Other names: c.3774T>C, p.Asp1258= (NM_001164507.2, NM_001271208.2, NM_004543.5).
Identifiers: ClinVar variation 1441327 (VCV001441327.5), dbSNP rs761903657, ClinGen allele CA1910834.